The following is an entry in ClinVar:

NM_006531.5(IFT88):c.1531C>G (p.Leu511Val)

Gene: IFT88 (intraflagellar transport 88; plus strand). Cytogenetic location: 13q12.11.
Variant type: single nucleotide variant.
Coding change: c.1531C>G on transcript NM_006531.5 (MANE Select); coding-DNA position 1531, C replaced by G.
Protein change: p.Leu511Val; replaces leucine 511 with valine.
Molecular consequence: missense variant. On other transcripts: non-coding transcript variant (4).
Genome position (GRCh38, 1-based): chr13:20,638,476, C>G. VCF-style: chr13-20638476-C-G. GRCh37 (hg19) VCF-style: chr13-21212615-C-G.
Other names: c.1558C>G (NM_175605.3); c.1474C>G, p.Leu492Val (NM_001318491.2, NM_001353575.2); c.1558C>G, p.Leu520Val (NM_001318493.2, NM_001353565.2, NM_001353566.2 and 2 more transcripts); c.1531C>G, p.Leu511Val (NM_001353568.2, NM_001353572.2); c.1456C>G, p.Leu486Val (NM_001353569.2, NM_001353570.2, NM_001353576.2 and 1 more transcripts); c.1429C>G, p.Leu477Val (NM_001353571.2, NM_001353578.2); c.1387C>G, p.Leu463Val (NM_001353573.2); c.1372C>G, p.Leu458Val (NM_001353574.2); and 1 more; short protein forms L463V, L520V, L300V, L486V, L511V, L458V, L477V, L492V.
Identifiers: ClinVar variation 2101800 (VCV002101800.5), dbSNP rs750071942, ClinGen allele CA6905437.

ClinVar aggregate classification (germline): Uncertain significance. Review status: criteria provided, multiple submitters, no conflicts (2 of 4 stars). 2 submissions from 2 submitters: Uncertain significance (2). Last evaluated 2023-09-22.

Allele frequency attached by ClinVar (database versions not stated): TOPMed below 0.00001; ExAC 0.00001; gnomAD 0.00001.
gnomAD v4.1: 4 of 1,516,716 alleles (0.00026%); highest among the groups gnomAD compares: Non-Finnish European, 0.00026%; no homozygotes.

Submissions (2):

Ambry Genetics
Classification: Uncertain significance. Last evaluated: 2023-09-22. Review status: criteria provided, single submitter. Criteria: Ambry Variant Classification Scheme 2023. Collection method: clinical testing. Allele origin: germline.

Labcorp Genetics (formerly Invitae), Labcorp
Classification: Uncertain significance. Last evaluated: 2022-03-01. Review status: criteria provided, single submitter. Criteria: Invitae Variant Classification Sherloc (09022015). Collection method: clinical testing. Allele origin: germline.
Comment: In summary, the available evidence is currently insufficient to determine the role of this variant in disease. Therefore, it has been classified as a Variant of Uncertain Significance. Algorithms developed to predict the effect of missense changes on protein structure and function are either unavailable or do not agree on the potential impact of this missense change (SIFT: "Not Available"; PolyPhen-2: "Possibly Damaging"; Align-GVGD: "Not Available"). This variant has not been reported in the literature in individuals affected with IFT88-related conditions. This variant is present in population databases (rs750071942, gnomAD 0.002%). This sequence change replaces leucine, which is neutral and non-polar, with valine, which is neutral and non-polar, at codon 520 of the IFT88 protein (p.Leu520Val).